The following is an entry in ClinVar:

NM_003235.5(TG):c.4528+2T>C

Gene: TG (thyroglobulin; plus strand). Cytogenetic location: 8q24.22.
Variant type: single nucleotide variant.
Coding change: c.4528+2T>C on transcript NM_003235.5 (MANE Select); the canonical splice donor site of the intron after coding-DNA position 4528, T replaced by C.
Molecular consequence: splice donor variant.
Genome position (GRCh38, 1-based): chr8:132,919,527, T>C. VCF-style: chr8-132919527-T-C. GRCh37 (hg19) VCF-style: chr8-133931772-T-C.
Identifiers: ClinVar variation 3681411 (VCV003681411.2).

ClinVar aggregate classification (germline): Likely pathogenic (1 of 4 stars; one submission).

gnomAD v4.1: 3 of 1,613,738 alleles (0.00019%); highest among the groups gnomAD compares: East Asian, 0.0022%; no homozygotes.

Submission:

Labcorp Genetics (formerly Invitae), Labcorp
Classification: Likely pathogenic. Last evaluated: 2024-02-29. Review status: criteria provided, single submitter. Criteria: Invitae Variant Classification Sherloc (09022015). Collection method: clinical testing. Allele origin: germline.
Comment: This sequence change affects a donor splice site in intron 21 of the TG gene. It is expected to disrupt RNA splicing. Variants that disrupt the donor or acceptor splice site typically lead to a loss of protein function (PMID: 16199547), and loss-of-function variants in TG are known to be pathogenic (PMID: 19837936, 23164529). This variant is present in population databases (rs765709668, gnomAD 0.007%). This variant has not been reported in the literature in individuals affected with TG-related conditions. Algorithms developed to predict the effect of sequence changes on RNA splicing suggest that this variant may disrupt the consensus splice site. In summary, the currently available evidence indicates that the variant is pathogenic, but additional data are needed to prove that conclusively. Therefore, this variant has been classified as Likely Pathogenic.

Literature cited by the submitters: PubMed 16199547; PubMed 19837936; PubMed 23164529.